The following is an entry in ClinVar:

ClinVar aggregate classification (germline): Uncertain significance. Review status: criteria provided, multiple submitters, no conflicts (2 of 4 stars). 2 submissions from 2 submitters: Uncertain significance (2). Last evaluated 2024-01-02.

Conditions:
Tay-Sachs disease (TSD). Also called: HEXA Disorders; HEXA DEFICIENCY; GM2 gangliosidosis, type 1; Hexosaminidase alpha-subunit deficiency (variant B); Sphingolipidosis, Tay-Sachs; Hexosaminidase A Deficiency. Identifiers: Orphanet 845, MedGen C0039373, MONDO:0010100, OMIM 272800.

Submissions (2):

Labcorp Genetics (formerly Invitae), Labcorp
Classification: Uncertain significance for Tay-Sachs disease. Last evaluated: 2024-01-02. Review status: criteria provided, single submitter. Criteria: Invitae Variant Classification Sherloc (09022015). Collection method: clinical testing. Allele origin: germline.
Comment: This sequence change replaces asparagine, which is neutral and polar, with isoleucine, which is neutral and non-polar, at codon 399 of the HEXA protein (p.Asn399Ile). This variant is present in population databases (rs755973971, gnomAD 0.05%). This variant has not been reported in the literature in individuals affected with HEXA-related conditions. ClinVar contains an entry for this variant (Variation ID: 1328995). Advanced modeling of protein sequence and biophysical properties (such as structural, functional, and spatial information, amino acid conservation, physicochemical variation, residue mobility, and thermodynamic stability) has been performed at Invitae for this missense variant, however the output from this modeling did not meet the statistical confidence thresholds required to predict the impact of this variant on HEXA protein function. In summary, the available evidence is currently insufficient to determine the role of this variant in disease. Therefore, it has been classified as a Variant of Uncertain Significance.

Women's Health and Genetics/Laboratory Corporation of America, LabCorp
Classification: Uncertain significance. Last evaluated: 2021-11-17. Review status: criteria provided, single submitter. Criteria: LabCorp Variant Classification Summary - May 2015. Collection method: clinical testing. Allele origin: germline.

NM_000520.6(HEXA):c.1196A>T (p.Asn399Ile)

Gene: HEXA (hexosaminidase subunit alpha; minus strand). Cytogenetic location: 15q23.
Variant type: single nucleotide variant.
Coding change: c.1196A>T on transcript NM_000520.6 (MANE Select); coding-DNA position 1196, A replaced by T.
Protein change: p.Asn399Ile; replaces asparagine 399 with isoleucine.
Molecular consequence: missense variant.
Genome position (GRCh38, 1-based): chr15:72,346,661, T>A on the plus strand (A>T on the coding strand, the complement: HEXA is on the minus strand). VCF-style: chr15-72346661-T-A. GRCh37 (hg19) VCF-style: chr15-72639002-T-A.
Other names: c.1229A>T, p.Asn410Ile (NM_001318825.2); short protein forms N399I, N410I.
Identifiers: ClinVar variation 1328995 (VCV001328995.4), dbSNP rs755973971, ClinGen allele CA7644757.